The following is an entry in ClinVar:

NM_000256.3(MYBPC3):c.1394_1402del (p.Val465_Val467del)

Gene: MYBPC3 (myosin binding protein C3; minus strand). Cytogenetic location: 11p11.2.
Variant type: Deletion.
Coding change: c.1394_1402del on transcript NM_000256.3 (MANE Select); coding-DNA positions 1394 to 1402, 9 bases deleted (TGATGGTGG; older notation c.1394_1402delTGATGGTGG).
Protein change: p.Val465_Val467del.
Molecular consequence: inframe deletion.
Genome position (GRCh38, 1-based): chr11:47,342,885-47,342,893, CCACCATCA deleted on the plus strand (TGATGGTGG on the coding strand, the reverse complement: MYBPC3 is on the minus strand); deleting any 9 consecutive bases within chr11:47,342,885-47,342,896 gives the same sequence; the c. name uses the placement nearest the transcript's 3' end. VCF-style (leftmost placement, unchanged base first): chr11-47342884-CCCACCATCA-C. GRCh37 (hg19) VCF-style: chr11-47364435-CCCACCATCA-C.
Other names: c.1394_1402delTGATGGTGG (NM_000256.3).
Identifiers: ClinVar variation 4726344 (VCV004726344.2).

ClinVar aggregate classification (germline): Uncertain significance. Review status: criteria provided, multiple submitters, no conflicts (2 of 4 stars). 2 submissions from 2 submitters: Uncertain significance (2). Last evaluated 2026-02-25.

Conditions:
Cardiovascular phenotype. Identifiers: MedGen CN230736.
Hypertrophic cardiomyopathy. Also called: HYPERTROPHIC MYOCARDIOPATHY. Identifiers: Orphanet 217569, MedGen C0007194, MeSH D002312, MONDO:0005045, HP:0001639.

Submissions (2):

Ambry Genetics
Classification: Uncertain significance for Cardiovascular phenotype. Last evaluated: 2026-02-25. Review status: criteria provided, single submitter. Criteria: Ambry Variant Classification Scheme 2023. Collection method: clinical testing. Allele origin: germline.
Comment: The c.1394_1402delTGATGGTGG variant (also known as p.V465_V467del) is located in coding exon 16 of the MYBPC3 gene. This variant results from an in-frame TGATGGTGG deletion at nucleotide positions 1394 to 1402. This results in the in-frame deletion of three residues from codon 465 to 467. This amino acid region ranges from highly conserved to well conserved in available vertebrate species. In addition, this variant is predicted to be deleterious by in silico analysis (Choi Y et al. PLoS ONE. 2012; 7(10):e46688). Based on the available evidence, the clinical significance of this variant remains unclear.

Labcorp Genetics (formerly Invitae), Labcorp
Classification: Uncertain significance for Hypertrophic cardiomyopathy. Last evaluated: 2025-08-30. Review status: criteria provided, single submitter. Criteria: Invitae Variant Classification Sherloc (09022015). Collection method: clinical testing. Allele origin: germline.
Comment: This variant, c.1394_1402del, results in the deletion of 3 amino acid(s) of the MYBPC3 protein (p.Val465_Val467del), but otherwise preserves the integrity of the reading frame. This variant is not present in population databases (gnomAD no frequency). This variant has not been reported in the literature in individuals affected with MYBPC3-related conditions. Experimental studies and prediction algorithms are not available or were not evaluated, and the functional significance of this variant is currently unknown. In summary, the available evidence is currently insufficient to determine the role of this variant in disease. Therefore, it has been classified as a Variant of Uncertain Significance.